The following is an entry in ClinVar:

NM_144997.7(FLCN):c.738T>A (p.Ser246Arg)

Gene: FLCN (folliculin; minus strand). Cytogenetic location: 17p11.2.
Variant type: single nucleotide variant.
Coding change: c.738T>A on transcript NM_144997.7 (MANE Select); coding-DNA position 738, T replaced by A.
Protein change: p.Ser246Arg; replaces serine 246 with arginine.
Molecular consequence: missense variant.
Genome position (GRCh38, 1-based): chr17:17,222,542, A>T on the plus strand (T>A on the coding strand, the complement: FLCN is on the minus strand). VCF-style: chr17-17222542-A-T. GRCh37 (hg19) VCF-style: chr17-17125856-A-T.
Other names: c.792T>A, p.Ser264Arg (NM_001353229.2); c.738T>A, p.Ser246Arg (NM_001353230.2, NM_001353231.2, NM_144606.7); short protein forms S246R, S264R.
Identifiers: ClinVar variation 3515650 (VCV003515650.1).

ClinVar aggregate classification (germline): Uncertain significance (1 of 4 stars; one submission).

Conditions:
Hereditary cancer-predisposing syndrome. Also called: Tumor predisposition; Neoplastic Syndromes, Hereditary; Hereditary Cancer Syndrome; Hereditary neoplastic syndrome. Identifiers: Orphanet 140162, MedGen C0027672, MeSH D009386, MONDO:0015356.

Submission:

Ambry Genetics
Classification: Uncertain significance for Hereditary cancer-predisposing syndrome. Last evaluated: 2024-09-15. Review status: criteria provided, single submitter. Criteria: Ambry Variant Classification Scheme 2023. Collection method: clinical testing. Allele origin: germline.
Comment: The p.S246R variant (also known as c.738T>A), located in coding exon 4 of the FLCN gene, results from a T to A substitution at nucleotide position 738. The serine at codon 246 is replaced by arginine, an amino acid with dissimilar properties. This amino acid position is conserved. In addition, this alteration is predicted to be tolerated by in silico analysis. Based on the available evidence, the clinical significance of this variant remains unclear.